The following is an entry in ClinVar:

NM_005121.3(MED13):c.5150C>T (p.Ser1717Leu)

Gene: MED13 (mediator complex subunit 13; minus strand). Cytogenetic location: 17q23.2.
Variant type: single nucleotide variant.
Coding change: c.5150C>T on transcript NM_005121.3 (MANE Select); coding-DNA position 5150, C replaced by T.
Protein change: p.Ser1717Leu; replaces serine 1717 with leucine.
Molecular consequence: missense variant.
Genome position (GRCh38, 1-based): chr17:61,961,694, G>A on the plus strand (C>T on the coding strand, the complement: MED13 is on the minus strand). VCF-style: chr17-61961694-G-A. GRCh37 (hg19) VCF-style: chr17-60039055-G-A.
Other names: short protein forms S1717L.
Identifiers: ClinVar variation 2231837 (VCV002231837.4), dbSNP rs779358191, ClinGen allele CA8692241.

ClinVar aggregate classification (germline): Conflicting classifications of pathogenicity. Review status: criteria provided, conflicting classifications (1 of 4 stars). 2 submissions from 2 submitters: Uncertain significance (1); Likely benign (1). Last evaluated 2021-06-30.

Conditions:
Intellectual developmental disorder 61. Also called: INTELLECTUAL DEVELOPMENTAL DISORDER, AUTOSOMAL DOMINANT 61; MENTAL RETARDATION, AUTOSOMAL DOMINANT 61. Identifiers: MedGen C5231400, MONDO:0032485, OMIM 618009.
Inborn genetic diseases. Identifiers: MedGen C0950123, MeSH D030342.

Allele frequency attached by ClinVar (database versions not stated): ExAC 0.00003; gnomAD 0.00006; TOPMed 0.00006.
gnomAD v4.1: 47 of 1,613,798 alleles (0.0029%); highest among the groups gnomAD compares: African/African-American, 0.021%; no homozygotes.

Submissions (2):

Ambry Genetics
Classification: Likely benign for Inborn genetic diseases. Last evaluated: 2021-06-30. Review status: criteria provided, single submitter. Criteria: Ambry Variant Classification Scheme 2023. Collection method: clinical testing. Allele origin: germline.

Juno Genomics, Hangzhou Juno Genomics, Inc
Classification: Uncertain significance for Intellectual developmental disorder 61. Review status: criteria provided, single submitter. Criteria: ACMG Guidelines, 2015. Collection method: clinical testing. Allele origin: germline. Affected: yes.
Comment: Absent from controls (or at extremely low frequency if recessive) in Genome Aggregation Database, Exome Sequencing Project, 1000 Genomes Project, or Exome Aggregation Consortium.;Multiple lines of computational evidence support a deleterious effect on the gene or gene product (conservation, evolutionary, splicing impact, etc).